The following is an entry in ClinVar:

NM_016252.4(BIRC6):c.11583A>G (p.Pro3861=)

Gene: BIRC6 (baculoviral IAP repeat containing 6; plus strand). Cytogenetic location: 2p22.3.
Variant type: single nucleotide variant.
Coding change: c.11583A>G on transcript NM_016252.4 (MANE Select); coding-DNA position 11583, A replaced by G.
Protein change: p.Pro3861=; no amino-acid change (proline 3861 retained).
Molecular consequence: synonymous variant.
Genome position (GRCh38, 1-based): chr2:32,518,906, A>G. VCF-style: chr2-32518906-A-G. GRCh37 (hg19) VCF-style: chr2-32743973-A-G.
Other names: c.11580A>G, p.Pro3860= (NM_001378125.1).
Identifiers: ClinVar variation 770692 (VCV000770692.7), dbSNP rs35100455, ClinGen allele CA1605029.

ClinVar aggregate classification (germline): Benign. Review status: criteria provided, multiple submitters, no conflicts (2 of 4 stars). 3 submissions from 3 submitters: Benign (2). 1 of the submissions does not count toward it. Last evaluated 2019-12-31.

Conditions:
BIRC6-related disorder. Also called: BIRC6-related condition.

Allele frequency attached by ClinVar (database versions not stated): 1000 Genomes Project 0.00200; 1000 Genomes Project 30x 0.00219; gnomAD exomes 0.00784 and 0.01444; ExAC 0.00799; TOPMed 0.00810; gnomAD 0.00833 and 0.00859; ESP Exome Variant Server 0.01215.
gnomAD v4.1: 22,083 of 1,613,828 alleles (1.4%); highest among the groups gnomAD compares: Non-Finnish European, 1.7%; 210 homozygotes.

Submissions (3):

Labcorp Genetics (formerly Invitae), Labcorp
Classification: Benign. Last evaluated: 2019-12-31. Review status: criteria provided, single submitter. Criteria: Invitae Variant Classification Sherloc (09022015). Collection method: clinical testing. Allele origin: germline.

Breakthrough Genomics
Classification: Benign. Review status: criteria provided, single submitter. Criteria: ACMG Guidelines, 2015. Collection method: not provided. Allele origin: germline. Inheritance: Unknown mechanism. Affected: yes.

PreventionGenetics, part of Exact Sciences
Classification: Benign for BIRC6-related condition. Last evaluated: 2019-03-14. Review status: no assertion criteria provided. Collection method: clinical testing. Allele origin: germline. Not counted in ClinVar's aggregate classification.
Comment: This variant is classified as benign based on ACMG/AMP sequence variant interpretation guidelines (Richards et al. 2015 PMID: 25741868, with internal and published modifications).